The following is an entry in ClinVar:

ClinVar aggregate classification (germline): Uncertain significance. Review status: criteria provided, multiple submitters, no conflicts (2 of 4 stars). 2 submissions from 2 submitters: Uncertain significance (2). Last evaluated 2023-12-31.

Conditions:
Hereditary cancer-predisposing syndrome. Also called: Neoplastic Syndromes, Hereditary; Tumor predisposition; Hereditary neoplastic syndrome; Hereditary Cancer Syndrome. Identifiers: Orphanet 140162, MedGen C0027672, MeSH D009386, MONDO:0015356.
DICER1-related tumor predisposition. Also called: DICER1-related pleuropulmonary blastoma cancer predisposition syndrome; DICER1 syndrome. Identifiers: Orphanet 284343, MedGen C3839822, MONDO:0100216.

gnomAD v4.1: 1 of 1,614,212 alleles (0.000062%); highest among the groups gnomAD compares: Non-Finnish European, 0.000085%; no homozygotes.

Submissions (2):

Labcorp Genetics (formerly Invitae), Labcorp
Classification: Uncertain significance for DICER1-related tumor predisposition. Last evaluated: 2023-12-31. Review status: criteria provided, single submitter. Criteria: Invitae Variant Classification Sherloc (09022015). Collection method: clinical testing. Allele origin: germline.
Comment: This sequence change replaces leucine, which is neutral and non-polar, with phenylalanine, which is neutral and non-polar, at codon 983 of the DICER1 protein (p.Leu983Phe). This variant is present in population databases (no rsID available, gnomAD 0.0009%). This variant has not been reported in the literature in individuals affected with DICER1-related conditions. ClinVar contains an entry for this variant (Variation ID: 1797978). Advanced modeling of protein sequence and biophysical properties (such as structural, functional, and spatial information, amino acid conservation, physicochemical variation, residue mobility, and thermodynamic stability) performed at Invitae indicates that this missense variant is not expected to disrupt DICER1 protein function with a negative predictive value of 80%. In summary, the available evidence is currently insufficient to determine the role of this variant in disease. Therefore, it has been classified as a Variant of Uncertain Significance.

Ambry Genetics
Classification: Uncertain significance for Hereditary cancer-predisposing syndrome. Last evaluated: 2022-08-05. Review status: criteria provided, single submitter. Criteria: Ambry Variant Classification Scheme 2023. Collection method: clinical testing. Allele origin: germline.
Comment: The p.L983F variant (also known as c.2947C>T), located in coding exon 17 of the DICER1 gene, results from a C to T substitution at nucleotide position 2947. The leucine at codon 983 is replaced by phenylalanine, an amino acid with highly similar properties. This amino acid position is highly conserved in available vertebrate species. In addition, this alteration is predicted to be tolerated by in silico analysis. Since supporting evidence is limited at this time, the clinical significance of this alteration remains unclear.

NM_177438.3(DICER1):c.2947C>T (p.Leu983Phe)

Gene: DICER1 (dicer 1, ribonuclease III; minus strand). Cytogenetic location: 14q32.13.
Variant type: single nucleotide variant.
Coding change: c.2947C>T on transcript NM_177438.3 (MANE Select); coding-DNA position 2947, C replaced by T.
Protein change: p.Leu983Phe; replaces leucine 983 with phenylalanine.
Molecular consequence: missense variant. On other transcripts: non-coding transcript variant (6).
Genome position (GRCh38, 1-based): chr14:95,106,081, G>A on the plus strand (C>T on the coding strand, the complement: DICER1 is on the minus strand). VCF-style: chr14-95106081-G-A. GRCh37 (hg19) VCF-style: chr14-95572418-G-A.
Other names: c.2947C>T, p.Leu983Phe (NM_001195573.1, NM_001271282.3, NM_001291628.2 and 13 more transcripts); c.2665C>T, p.Leu889Phe (NM_001395686.1); c.2542C>T, p.Leu848Phe (NM_001395687.1, NM_001395688.1, NM_001395689.1 and 2 more transcripts); c.2380C>T, p.Leu794Phe (NM_001395691.1); c.1264C>T, p.Leu422Phe (NM_001395697.1); short protein forms L794F, L848F, L983F, L422F, L889F.
Identifiers: ClinVar variation 1797978 (VCV001797978.5), dbSNP rs1267003109, ClinGen allele CA390878885.